The following is an entry in ClinVar:

ClinVar aggregate classification (germline): Uncertain significance. Review status: criteria provided, multiple submitters, no conflicts (2 of 4 stars). 3 submissions from 3 submitters: Uncertain significance (3). Last evaluated 2025-04-09.

Conditions:
Neuropathy, hereditary sensory and autonomic, type 2A (HSAN2A). Also called: ACROOSTEOLYSIS, GIACCAI TYPE; ACROOSTEOLYSIS, NEUROGENIC; MORVAN DISEASE; NEUROPATHY, CONGENITAL SENSORY; NEUROPATHY, HEREDITARY SENSORY RADICULAR, AUTOSOMAL RECESSIVE; NEUROPATHY, HEREDITARY SENSORY, TYPE IIA. Identifiers: Orphanet 970, MedGen C2752089, MONDO:0024309, OMIM 201300.
Channelopathy-associated congenital insensitivity to pain, autosomal recessive. Also called: ASYMBOLIA FOR PAIN; CONGENITAL ANALGESIA, AUTOSOMAL RECESSIVE; Insensitivity to pain, channelopathy-associated. Identifiers: Orphanet 88642, Orphanet 970, MedGen C1855739, MONDO:0009459, OMIM 243000.
Paroxysmal extreme pain disorder (PEXPD). Also called: PAIN, SUBMANDIBULAR, OCULAR, AND RECTAL, WITH FLUSHING; RECTAL PAIN, FAMILIAL; SCN9A Paroxysmal Extreme Pain Disorder (SCN9A-PEPD). Identifiers: Orphanet 46348, MedGen C1833661, MONDO:0008179, OMIM 167400.
Primary erythromelalgia. Also called: SCN9A Erythromelalgia (SCN9A-EM); primary erythermalgia. Identifiers: Orphanet 306577, Orphanet 90026, MedGen C0014805, MONDO:0007571, OMIM 133020.
Generalized epilepsy with febrile seizures plus, type 7 (GEFSP7). Also called: GEFS+, TYPE 7. Identifiers: Orphanet 36387, MedGen C2751778, MONDO:0013470, OMIM 613863.
Inborn genetic diseases. Identifiers: MedGen C0950123, MeSH D030342.

gnomAD v4.1: 3 of 1,613,164 alleles (0.00019%); highest among the groups gnomAD compares: Non-Finnish European, 0.00025%; no homozygotes.

Submissions (3):

Ambry Genetics
Classification: Uncertain significance for Inborn genetic diseases. Last evaluated: 2025-04-09. Review status: criteria provided, single submitter. Criteria: Ambry Variant Classification Scheme 2023. Collection method: clinical testing. Allele origin: germline.

Labcorp Genetics (formerly Invitae), Labcorp
Classification: Uncertain significance for Neuropathy, hereditary sensory and autonomic, type 2A; Generalized epilepsy with febrile seizures plus, type 7. Last evaluated: 2024-05-31. Review status: criteria provided, single submitter. Criteria: Invitae Variant Classification Sherloc (09022015). Collection method: clinical testing. Allele origin: germline.
Comment: This sequence change replaces glutamic acid, which is acidic and polar, with alanine, which is neutral and non-polar, at codon 180 of the SCN9A protein (p.Glu180Ala). This variant is present in population databases (rs371286659, gnomAD 0.007%). This variant has not been reported in the literature in individuals affected with SCN9A-related conditions. Advanced modeling of protein sequence and biophysical properties (such as structural, functional, and spatial information, amino acid conservation, physicochemical variation, residue mobility, and thermodynamic stability) performed at Invitae indicates that this missense variant is not expected to disrupt SCN9A protein function with a negative predictive value of 95%. In summary, the available evidence is currently insufficient to determine the role of this variant in disease. Therefore, it has been classified as a Variant of Uncertain Significance.

Department of Pathology and Laboratory Medicine, Sinai Health System
Classification: Uncertain significance for Primary erythromelalgia; Paroxysmal extreme pain disorder; Neuropathy, hereditary sensory and autonomic, type 2A; Channelopathy-associated congenital insensitivity to pain, autosomal recessive. Last evaluated: 2021-08-12. Review status: criteria provided, single submitter. Criteria: ACMG Guidelines, 2015. Collection method: research. Allele origin: germline.

NM_001365536.1(SCN9A):c.539A>C (p.Glu180Ala)

Gene: SCN9A (sodium voltage-gated channel alpha subunit 9; minus strand). Cytogenetic location: 2q24.3.
Variant type: single nucleotide variant.
Coding change: c.539A>C on transcript NM_001365536.1 (MANE Select); coding-DNA position 539, A replaced by C.
Protein change: p.Glu180Ala; replaces glutamic acid 180 with alanine.
Molecular consequence: missense variant.
Genome position (GRCh38, 1-based): chr2:166,305,849, T>G on the plus strand (A>C on the coding strand, the complement: SCN9A is on the minus strand). VCF-style: chr2-166305849-T-G. GRCh37 (hg19) VCF-style: chr2-167162359-T-G.
Other names: c.539A>C, p.Glu180Ala (NM_002977.4); short protein forms E180A.
Identifiers: ClinVar variation 3758345 (VCV003758345.4).